The following is an entry in ClinVar:

ClinVar aggregate classification (germline): Uncertain significance. Review status: criteria provided, multiple submitters, no conflicts (2 of 4 stars). 2 submissions from 2 submitters: Uncertain significance (2). Last evaluated 2025-02-25.

Conditions:
Hereditary cancer-predisposing syndrome. Also called: Tumor predisposition; Hereditary Cancer Syndrome; Hereditary neoplastic syndrome; Neoplastic Syndromes, Hereditary. Identifiers: Orphanet 140162, MedGen C0027672, MeSH D009386, MONDO:0015356.
Tumor predisposition syndrome 3 (TPDS3). Also called: Glioma susceptibility 9; LONG TELOMERE SYNDROME, POT1-RELATED; POT1 Tumor Predisposition; Melanoma, cutaneous malignant, susceptibility to, 10. Identifiers: Orphanet 618, MedGen C4014476, MONDO:0014368, OMIM 615848.

Submissions (2):

Ambry Genetics
Classification: Uncertain significance for Hereditary cancer-predisposing syndrome. Last evaluated: 2025-02-25. Review status: criteria provided, single submitter. Criteria: Ambry Variant Classification Scheme 2023. Collection method: clinical testing. Allele origin: germline.
Comment: The c.703-3T>G intronic variant results from a T to G substitution 3 nucleotides upstream from coding exon 6 in the POT1 gene. This nucleotide position is well conserved in available vertebrate species. In silico splice site analysis predicts that this alteration will weaken the native splice acceptor site. RNA studies have demonstrated that this alteration results in a splice defect; the clinical impact of this abnormal splicing is unknown at this time (Ambry internal data). Since supporting evidence is limited at this time, the clinical significance of this alteration remains unclear.

Labcorp Genetics (formerly Invitae), Labcorp
Classification: Uncertain significance for Tumor predisposition syndrome 3. Last evaluated: 2024-09-30. Review status: criteria provided, single submitter. Criteria: Invitae Variant Classification Sherloc (09022015). Collection method: clinical testing. Allele origin: germline.
Comment: This sequence change falls in intron 9 of the POT1 gene. It does not directly change the encoded amino acid sequence of the POT1 protein. It affects a nucleotide within the consensus splice site. This variant is not present in population databases (gnomAD no frequency). This variant has not been reported in the literature in individuals affected with POT1-related conditions. ClinVar contains an entry for this variant (Variation ID: 826789). Variants that disrupt the consensus splice site are a relatively common cause of aberrant splicing (PMID: 17576681, 9536098). Studies have shown that this variant is associated with inconclusive levels of altered splicing (internal data). In summary, the available evidence is currently insufficient to determine the role of this variant in disease. Therefore, it has been classified as a Variant of Uncertain Significance.

Literature cited by the submitters: PubMed 17576681 (cited by Labcorp Genetics (formerly Invitae), Labcorp); PubMed 9536098 (cited by Labcorp Genetics (formerly Invitae), Labcorp).

NM_015450.3(POT1):c.703-3T>G

Gene: POT1 (protection of telomeres 1; minus strand). Cytogenetic location: 7q31.33.
Variant type: single nucleotide variant.
Coding change: c.703-3T>G on transcript NM_015450.3 (MANE Select); 3 bases into the intron before coding-DNA position 703, T replaced by G.
Molecular consequence: intron variant.
Genome position (GRCh38, 1-based): chr7:124,853,141, A>C on the plus strand (T>G on the coding strand, the complement: POT1 is on the minus strand). VCF-style: chr7-124853141-A-C. GRCh37 (hg19) VCF-style: chr7-124493195-A-C.
Other names: c.310-3T>G (NM_001042594.2).
Identifiers: ClinVar variation 826789 (VCV000826789.8), dbSNP rs1584765787, ClinGen allele CA915945503.